The following is an entry in ClinVar:

ClinVar aggregate classification (germline): Uncertain significance (1 of 4 stars; one submission).

Conditions:
Ullrich congenital muscular dystrophy 2 (UCMD2). Identifiers: Orphanet 75840, MedGen C4225314, MONDO:0014654, OMIM 616470.
Bethlem myopathy 2 (BTHLM2). Identifiers: Orphanet 536516, Orphanet 610, MedGen C4225313, MONDO:0034022, OMIM 616471.

gnomAD v4.1: 2 of 1,614,004 alleles (0.00012%); highest among the groups gnomAD compares: Non-Finnish European, 0.000085%; no homozygotes.

Submission:

Labcorp Genetics (formerly Invitae), Labcorp
Classification: Uncertain significance for Bethlem myopathy 2; Ullrich congenital muscular dystrophy 2. Last evaluated: 2025-09-22. Review status: criteria provided, single submitter. Criteria: Invitae Variant Classification Sherloc (09022015). Collection method: clinical testing. Allele origin: germline.
Comment: This sequence change replaces histidine, which is basic and polar, with arginine, which is basic and polar, at codon 1033 of the COL12A1 protein (p.His1033Arg). This variant is not present in population databases (gnomAD no frequency). This variant has not been reported in the literature in individuals affected with COL12A1-related conditions. ClinVar contains an entry for this variant (Variation ID: 3763165). Invitae Evidence Modeling of protein sequence and biophysical properties (such as structural, functional, and spatial information, amino acid conservation, physicochemical variation, residue mobility, and thermodynamic stability) indicates that this missense variant is not expected to disrupt COL12A1 protein function with a negative predictive value of 80%. In summary, the available evidence is currently insufficient to determine the role of this variant in disease. Therefore, it has been classified as a Variant of Uncertain Significance.

NM_004370.6(COL12A1):c.3098A>G (p.His1033Arg)

Gene: COL12A1 (collagen type XII alpha 1 chain; minus strand). Cytogenetic location: 6q13.
Variant type: single nucleotide variant.
Coding change: c.3098A>G on transcript NM_004370.6 (MANE Select); coding-DNA position 3098, A replaced by G.
Protein change: p.His1033Arg; replaces histidine 1033 with arginine.
Molecular consequence: missense variant. On other transcripts: intron variant (2).
Genome position (GRCh38, 1-based): chr6:75,156,409, T>C on the plus strand (A>G on the coding strand, the complement: COL12A1 is on the minus strand). VCF-style: chr6-75156409-T-C. GRCh37 (hg19) VCF-style: chr6-75866125-T-C.
Other names: c.3098A>G, p.His1033Arg (NM_001424113.1, NM_001424114.1); c.2825A>G, p.His942Arg (NM_001424115.1); c.74-3927A>G (NM_001424116.1, NM_080645.3); short protein forms H1033R, H942R.
Identifiers: ClinVar variation 3763165 (VCV003763165.2).